The following is an entry in ClinVar:

NM_000256.3(MYBPC3):c.*26+14G>A

Gene: MYBPC3 (myosin binding protein C3; minus strand). Cytogenetic location: 11p11.2.
Variant type: single nucleotide variant.
Coding change: c.*26+14G>A on transcript NM_000256.3 (MANE Select); 14 bases into the intron after 26 bases downstream of the stop codon, G replaced by A.
Molecular consequence: intron variant.
Genome position (GRCh38, 1-based): chr11:47,331,831, C>T on the plus strand (G>A on the coding strand, the complement: MYBPC3 is on the minus strand). VCF-style: chr11-47331831-C-T. GRCh37 (hg19) VCF-style: chr11-47353382-C-T.
Identifiers: ClinVar variation 138320 (VCV000138320.1), dbSNP rs375011839, ClinGen allele CA012729.

ClinVar aggregate classification (germline): Benign (1 of 4 stars; one submission).

Allele frequency attached by ClinVar (database versions not stated): gnomAD exomes 0.00002 and 0.00004; ExAC 0.00007; gnomAD 0.00012 and 0.00013; ESP Exome Variant Server 0.00016; TOPMed 0.00016.
gnomAD v4.1: 45 of 1,598,692 alleles (0.0028%); highest among the groups gnomAD compares: African/African-American, 0.036%; no homozygotes.

Submission:

GeneDx
Classification: Benign. Last evaluated: 2013-10-25. Review status: criteria provided, single submitter. Criteria: GeneDx Variant Classification (06012015). Collection method: clinical testing. Allele origin: germline. Affected: yes.
Comment: This variant is considered likely benign or benign based on one or more of the following criteria: it is a conservative change, it occurs at a poorly conserved position in the protein, it is predicted to be benign by multiple in silico algorithms, and/or has population frequency not consistent with disease.